The following is an entry in ClinVar:

NM_014795.4(ZEB2):c.1050G>A (p.Thr350=)

Gene: ZEB2 (zinc finger E-box binding homeobox 2; minus strand). Cytogenetic location: 2q22.3.
Variant type: single nucleotide variant.
Coding change: c.1050G>A on transcript NM_014795.4 (MANE Select); coding-DNA position 1050, G replaced by A.
Protein change: p.Thr350=; no amino-acid change (threonine 350 retained).
Molecular consequence: synonymous variant.
Genome position (GRCh38, 1-based): chr2:144,400,137, C>T on the plus strand (G>A on the coding strand, the complement: ZEB2 is on the minus strand). VCF-style: chr2-144400137-C-T. GRCh37 (hg19) VCF-style: chr2-145157704-C-T.
Other names: c.978G>A, p.Thr326= (NM_001171653.2).
Identifiers: ClinVar variation 680409 (VCV000680409.4), dbSNP rs532720008, ClinGen allele CA1898370.

ClinVar aggregate classification (germline): Likely benign. Review status: criteria provided, multiple submitters, no conflicts (2 of 4 stars). 2 submissions from 2 submitters: Likely benign (2). Last evaluated 2024-11-21.

Conditions:
Mowat-Wilson syndrome (MOWS). Also called: Classic Mowat-Wilson Syndrome. Identifiers: Orphanet 2152, MedGen C1856113, MONDO:0009341, OMIM 235730.

Allele frequency attached by ClinVar (database versions not stated): gnomAD 0.00002; TOPMed 0.00004; ExAC 0.00006.
gnomAD v4.1: 25 of 1,613,754 alleles (0.0015%); highest among the groups gnomAD compares: South Asian, 0.011%; no homozygotes.

Submissions (2):

Labcorp Genetics (formerly Invitae), Labcorp
Classification: Likely benign for Mowat-Wilson syndrome. Last evaluated: 2024-11-21. Review status: criteria provided, single submitter. Criteria: Invitae Variant Classification Sherloc (09022015). Collection method: clinical testing. Allele origin: germline.

GeneDx
Classification: Likely benign. Last evaluated: 2018-03-16. Review status: criteria provided, single submitter. Criteria: GeneDx Variant Classification (06012015). Collection method: clinical testing. Allele origin: germline. Affected: yes.
Comment: This variant is considered likely benign or benign based on one or more of the following criteria: it is a conservative change, it occurs at a poorly conserved position in the protein, it is predicted to be benign by multiple in silico algorithms, and/or has population frequency not consistent with disease.